The following is an entry in ClinVar:

ClinVar aggregate classification (germline): Conflicting classifications of pathogenicity. Review status: criteria provided, conflicting classifications (1 of 4 stars). 4 submissions from 4 submitters: Uncertain significance (3); Likely benign (1). Last evaluated 2025-05-11.

Conditions:
Inborn genetic diseases. Identifiers: MedGen C0950123, MeSH D030342.
RIN2 syndrome. Also called: TALL FOREHEAD, SPARSE HAIR, SKIN HYPEREXTENSIBILITY, AND SCOLIOSIS; MACS SYNDROME. Identifiers: Orphanet 217335, MedGen C2751321, MONDO:0013115, OMIM 613075.

Allele frequency attached by ClinVar (database versions not stated): ExAC 0.00025; TOPMed 0.00006; ESP Exome Variant Server 0.00008; gnomAD 0.00009.
gnomAD v4.1: 159 of 1,605,088 alleles (0.0099%); highest among the groups gnomAD compares: South Asian, 0.055%; 2 homozygotes.

Submissions (4):

Ambry Genetics
Classification: Uncertain significance for Inborn genetic diseases. Last evaluated: 2025-05-11. Review status: criteria provided, single submitter. Criteria: Ambry Variant Classification Scheme 2023. Collection method: clinical testing. Allele origin: germline.

Labcorp Genetics (formerly Invitae), Labcorp
Classification: Uncertain significance. Last evaluated: 2024-10-30. Review status: criteria provided, single submitter. Criteria: Invitae Variant Classification Sherloc (09022015). Collection method: clinical testing. Allele origin: germline.
Comment: This sequence change replaces arginine, which is basic and polar, with histidine, which is basic and polar, at codon 135 of the RIN2 protein (p.Arg135His). This variant is present in population databases (rs200460217, gnomAD 0.09%), including at least one homozygous and/or hemizygous individual. This variant has not been reported in the literature in individuals affected with RIN2-related conditions. ClinVar contains an entry for this variant (Variation ID: 1203399). Experimental studies and prediction algorithms are not available or were not evaluated, and the functional significance of this variant is currently unknown. In summary, the available evidence is currently insufficient to determine the role of this variant in disease. Therefore, it has been classified as a Variant of Uncertain Significance.

Fulgent Genetics
Classification: Uncertain significance for RIN2 syndrome. Last evaluated: 2024-01-11. Review status: criteria provided, single submitter. Criteria: ACMG Guidelines, 2015. Collection method: clinical testing. Allele origin: germline.

GeneDx
Classification: Likely benign. Last evaluated: 2019-08-05. Review status: criteria provided, single submitter. Criteria: GeneDx Variant Classification Process June 2021. Collection method: clinical testing. Allele origin: germline. Affected: yes.

NM_018993.4(RIN2):c.404G>A (p.Arg135His)

Gene: RIN2 (Ras and Rab interactor 2; plus strand). Cytogenetic location: 20p11.23.
Variant type: single nucleotide variant.
Coding change: c.404G>A on transcript NM_018993.4 (MANE Select); coding-DNA position 404, G replaced by A.
Protein change: p.Arg135His; replaces arginine 135 with histidine.
Molecular consequence: missense variant. On other transcripts: 5 prime UTR variant (1).
Genome position (GRCh38, 1-based): chr20:19,960,752, G>A. VCF-style: chr20-19960752-G-A. GRCh37 (hg19) VCF-style: chr20-19941396-G-A.
Other names: c.551G>A, p.Arg184His (NM_001242581.2); c.-142G>A (NM_001378238.1); short protein forms R135H, R184H.
Identifiers: ClinVar variation 1203399 (VCV001203399.10), dbSNP rs200460217, ClinGen allele CA9779817.